The following is an entry in ClinVar:

ClinVar aggregate classification (germline): Uncertain significance (1 of 4 stars; one submission).

Conditions:
Aicardi-Goutieres syndrome 5. Identifiers: Orphanet 51, MedGen C2749659, MONDO:0013059, OMIM 612952.

Submission:

Labcorp Genetics (formerly Invitae), Labcorp
Classification: Uncertain significance for Aicardi-Goutieres syndrome 5. Last evaluated: 2024-02-19. Review status: criteria provided, single submitter. Criteria: Invitae Variant Classification Sherloc (09022015). Collection method: clinical testing. Allele origin: germline.
Comment: This sequence change falls in intron 15 of the SAMHD1 gene. It does not directly change the encoded amino acid sequence of the SAMHD1 protein. It affects a nucleotide within the consensus splice site. This variant is not present in population databases (gnomAD no frequency). This variant has not been reported in the literature in individuals affected with SAMHD1-related conditions. ClinVar contains an entry for this variant (Variation ID: 568564). Variants that disrupt the consensus splice site are a relatively common cause of aberrant splicing (PMID: 17576681, 9536098). Algorithms developed to predict the effect of sequence changes on RNA splicing suggest that this variant is not likely to affect RNA splicing. In summary, the available evidence is currently insufficient to determine the role of this variant in disease. Therefore, it has been classified as a Variant of Uncertain Significance.

Literature cited by the submitters: PubMed 17576681; PubMed 9536098.

NM_015474.4(SAMHD1):c.1746+4_1746+15del

Gene: SAMHD1 (SAM and HD domain containing deoxynucleoside triphosphate triphosphohydrolase 1; minus strand). Cytogenetic location: 20q11.23.
Variant type: Deletion.
Coding change: c.1746+4_1746+15del on transcript NM_015474.4 (MANE Select); bases 4 to 15 of the intron after coding-DNA position 1746, 12 bases deleted (GGTGGCCTGTTA).
Molecular consequence: splice donor variant.
Genome position (GRCh38, 1-based): chr20:36,897,807-36,897,818, TAACAGGCCACC deleted on the plus strand (GGTGGCCTGTTA on the coding strand, the reverse complement: SAMHD1 is on the minus strand); deleting any 12 consecutive bases within chr20:36,897,807-36,897,820 gives the same sequence; the c. name uses the placement nearest the transcript's 3' end. VCF-style (leftmost placement, unchanged base first): chr20-36897806-GTAACAGGCCACC-G. GRCh37 (hg19) VCF-style: chr20-35526209-GTAACAGGCCACC-G.
Other names: c.1641+4_1641+15del (NM_001363729.2); c.1746+4_1746+15del (NM_001363733.2); c.1746+4_1746+15delGGTGGCCTGTTA (NM_015474.3).
Identifiers: ClinVar variation 568564 (VCV000568564.8), dbSNP rs1568758975, ClinGen allele CA891844151.